The following is an entry in ClinVar:

ClinVar aggregate classification (germline): Uncertain significance (1 of 4 stars; one submission).

Conditions:
Recessive dystrophic epidermolysis bullosa (RDEB). Also called: epidermolysis bullosa dystrophica, autosomal recessive; Epidermolysis Bullosa Distrophica Autosomal Recessive (RDEB); DYSTROPHIC EPIDERMOLYSIS BULLOSA, AUTOSOMAL RECESSIVE; EPIDERMOLYSIS BULLOSA DYSTROPHICA, HALLOPEAU-SIEMENS TYPE; Recessive DEB (RDEB); Hallopeau-Siemens Disease. Identifiers: Orphanet 79408, Orphanet 79409, MedGen C0079474, MONDO:0009179, OMIM 226600.

gnomAD v4.1: 12 of 1,606,736 alleles (0.00075%); highest among the groups gnomAD compares: South Asian, 0.0089%; no homozygotes.

Submission:

Myriad Genetics, Inc.
Classification: Uncertain significance for Recessive dystrophic epidermolysis bullosa. Last evaluated: 2025-08-07. Review status: criteria provided, single submitter. Criteria: Myriad Autosomal Dominant, Autosomal Recessive and X-Linked Classification Criteria (2023). Collection method: clinical testing. Allele origin: unknown.
Comment: NM_000094.3(COL7A1):c.3302G>A(R1101Q) is a missense variant classified as a variant of uncertain significance in the context of dystrophic epidermolysis bullosa. R1101Q has been observed in a case with relevant disease (PMID: 39141798). Relevant functional assessments of this variant are not available in the literature. R1101Q has been observed in referenced population frequency databases. In summary, there is insufficient evidence to classify NM_000094.3(COL7A1):c.3302G>A(R1101Q) as pathogenic or benign. Please note: this variant was assessed in the context of healthy population screening.

Literature cited by the submitters: PubMed 39141798.

NM_000094.4(COL7A1):c.3302G>A (p.Arg1101Gln)

Gene: COL7A1 (collagen type VII alpha 1 chain; minus strand). Cytogenetic location: 3p21.31.
Variant type: single nucleotide variant.
Coding change: c.3302G>A on transcript NM_000094.4 (MANE Select); coding-DNA position 3302, G replaced by A.
Protein change: p.Arg1101Gln; replaces arginine 1101 with glutamine.
Molecular consequence: missense variant.
Genome position (GRCh38, 1-based): chr3:48,586,664, C>T on the plus strand (G>A on the coding strand, the complement: COL7A1 is on the minus strand). VCF-style: chr3-48586664-C-T. GRCh37 (hg19) VCF-style: chr3-48624097-C-T.
Other names: short protein forms R1101Q.
Identifiers: ClinVar variation 5003934 (VCV005003934.1).